The following is an entry in ClinVar:

NM_002894.3(RBBP8):c.2257G>A (p.Glu753Lys)

Gene: RBBP8 (RB binding protein 8, endonuclease; plus strand). Cytogenetic location: 18q11.2.
Variant type: single nucleotide variant.
Coding change: c.2257G>A on transcript NM_002894.3 (MANE Select); coding-DNA position 2257, G replaced by A.
Protein change: p.Glu753Lys; replaces glutamic acid 753 with lysine.
Molecular consequence: missense variant.
Genome position (GRCh38, 1-based): chr18:23,001,699, G>A. VCF-style: chr18-23001699-G-A. GRCh37 (hg19) VCF-style: chr18-20581662-G-A.
Other names: c.2257G>A, p.Glu753Lys (NM_203291.2, NM_203292.2); short protein forms E753K.
Identifiers: ClinVar variation 436512 (VCV000436512.12), dbSNP rs774631370, ClinGen allele CA8910290.
Genomic context (GRCh38, chr18:23,001,699, plus strand): 5'-CATGAAGAGTATGAATCCTGTTTGGCAGACAGTTTCTCCCAAGCAGCAGATGAAGAGGAG[G>A]AATTGTCTACTGCCACAAAGAAACTACACAGTAAGATTTTTTTCTGTTTAATTATGGCTT-3'
Protein context (NP_002885.1, residues 743-763): SFSQAADEEE[Glu753Lys]LSTATKKLHT

ClinVar aggregate classification (germline): Uncertain significance. Review status: criteria provided, multiple submitters, no conflicts (2 of 4 stars). 2 submissions from 2 submitters: Uncertain significance (2). Last evaluated 2024-10-29.

Allele frequency attached by ClinVar (database versions not stated): ExAC 0.00003; gnomAD exomes 0.00003; TOPMed 0.00008.
gnomAD v4.1: 305 of 1,613,870 alleles (0.019%); highest among the groups gnomAD compares: Non-Finnish European, 0.024%; 1 homozygote.

Submissions (2):

Labcorp Genetics (formerly Invitae), Labcorp
Classification: Uncertain significance. Last evaluated: 2024-10-29. Review status: criteria provided, single submitter. Criteria: Invitae Variant Classification Sherloc (09022015). Collection method: clinical testing. Allele origin: germline.
Comment: This sequence change replaces glutamic acid, which is acidic and polar, with lysine, which is basic and polar, at codon 753 of the RBBP8 protein (p.Glu753Lys). This variant is present in population databases (rs774631370, gnomAD 0.006%). This variant has not been reported in the literature in individuals affected with RBBP8-related conditions. ClinVar contains an entry for this variant (Variation ID: 436512). Invitae Evidence Modeling of protein sequence and biophysical properties (such as structural, functional, and spatial information, amino acid conservation, physicochemical variation, residue mobility, and thermodynamic stability) indicates that this missense variant is not expected to disrupt RBBP8 protein function with a negative predictive value of 80%. In summary, the available evidence is currently insufficient to determine the role of this variant in disease. Therefore, it has been classified as a Variant of Uncertain Significance.

Genetic Services Laboratory, University of Chicago
Classification: Uncertain significance. Last evaluated: 2016-01-15. Review status: criteria provided, single submitter. Criteria: ACMG Guidelines, 2015. Collection method: clinical testing. Allele origin: germline. Affected: no.